The following is an entry in ClinVar:

ClinVar aggregate classification (germline): Pathogenic (1 of 4 stars; one submission).

Submission:

Labcorp Genetics (formerly Invitae), Labcorp
Classification: Pathogenic. Last evaluated: 2026-01-19. Review status: criteria provided, single submitter. Criteria: Invitae Variant Classification Sherloc (09022015). Collection method: clinical testing. Allele origin: germline.
Comment: This sequence change creates a premature translational stop signal (p.His871Phefs*5) in the ATP2A2 gene. It is expected to result in an absent or disrupted protein product. Loss-of-function variants in ATP2A2 are known to be pathogenic (PMID: 10080178, 10441324). This variant is not present in population databases (gnomAD no frequency). This premature translational stop signal has been observed in individual(s) with Darier disease (PMID: 10441323). This variant is also known as 2608delAG. Algorithms developed to predict the effect of sequence changes on RNA splicing suggest that this variant may disrupt the consensus splice site. For these reasons, this variant has been classified as Pathogenic.

Literature cited by the submitters: PubMed 10080178; PubMed 10441324; PubMed 10441323.

NC_000012.12:g.110345247AG[1]

Genes: ATP2A2 (ATPase sarcoplasmic/endoplasmic reticulum Ca2+ transporting 2; plus strand), LOC126861638 (MED14-independent group 3 enhancer GRCh37_chr12:110782389-110783588; plus strand). Cytogenetic location: 12q24.11.
Variant type: Microsatellite.
Genome position: GRCh38 VCF-style: chr12-110345246-CAG-C. GRCh37 (hg19) VCF-style: chr12-110783051-CAG-C.
Identifiers: ClinVar variation 4710040 (VCV004710040.1).